The following is an entry in ClinVar:

ClinVar aggregate classification (germline): Conflicting classifications of pathogenicity. Review status: criteria provided, conflicting classifications (1 of 4 stars). 2 submissions from 2 submitters: Likely pathogenic (1); Uncertain significance (1). Last evaluated 2024-09-18.

Conditions:
Long QT syndrome 8. Identifiers: MedGen CN260585, MONDO:0032756, OMIM 618447.

gnomAD v4.1: 1 of 1,614,010 alleles (0.000062%); highest among the groups gnomAD compares: Non-Finnish European, 0.000085%; no homozygotes.

Submissions (2):

GeneDx
Classification: Likely pathogenic. Last evaluated: 2024-09-18. Review status: criteria provided, single submitter. Criteria: GeneDx Variant Classification Process June 2021. Collection method: clinical testing. Allele origin: germline. Affected: yes.
Comment: Not observed at significant frequency in large population cohorts (gnomAD); In silico analysis supports that this missense variant has a deleterious effect on protein structure/function; This variant is associated with the following publications: (PMID: 34163037, 34547244)

MGZ Medical Genetics Center
Classification: Uncertain significance for Long QT syndrome 8. Last evaluated: 2022-06-10. Review status: criteria provided, single submitter. Criteria: ACMG Guidelines, 2015. Collection method: clinical testing. Allele origin: germline. Affected: yes. Observed: 1 variant allele.
Comment: ACMG criteria applied: PM2_SUP, PP2, PP3

NM_000719.7(CACNA1C):c.970C>T (p.Arg324Trp)

Gene: CACNA1C (calcium voltage-gated channel subunit alpha1 C; plus strand). Cytogenetic location: 12p13.33.
Variant type: single nucleotide variant.
Coding change: c.970C>T on transcript NM_000719.7 (MANE Select); coding-DNA position 970, C replaced by T.
Protein change: p.Arg324Trp; replaces arginine 324 with tryptophan.
Molecular consequence: missense variant.
Genome position (GRCh38, 1-based): chr12:2,493,243, C>T. VCF-style: chr12-2493243-C-T. GRCh37 (hg19) VCF-style: chr12-2602409-C-T.
Other names: c.970C>T, p.Arg324Trp (NM_001129827.2, NM_001129829.2, NM_001129830.3 and 18 more transcripts); c.961C>T, p.Arg321Trp (NM_001129844.2); short protein forms R321W, R324W.
Identifiers: ClinVar variation 1315017 (VCV001315017.5), dbSNP rs2154571835, ClinGen allele CA383369728.